The following is an entry in ClinVar:

NM_000321.3(RB1):c.263T>G (p.Leu88Trp)

Gene: RB1 (RB transcriptional corepressor 1; plus strand). Cytogenetic location: 13q14.2.
Variant type: single nucleotide variant.
Coding change: c.263T>G on transcript NM_000321.3 (MANE Select); coding-DNA position 263, T replaced by G.
Protein change: p.Leu88Trp; replaces leucine 88 with tryptophan.
Molecular consequence: missense variant.
Genome position (GRCh38, 1-based): chr13:48,307,405, T>G. VCF-style: chr13-48307405-T-G. GRCh37 (hg19) VCF-style: chr13-48881541-T-G.
Other names: short protein forms L88W.
Identifiers: ClinVar variation 527903 (VCV000527903.11), dbSNP rs1555279518, ClinGen allele CA388250698.
Genomic context (GRCh38, chr13:48,307,405, plus strand): 5'-ATCATGTCAGAGAGAGAGCTTGGTTAACTTGGGAGAAAGTTTCATCTGTGGATGGAGTAT[T>G]GGTAAGGATTTTCTTAAAACGTTTTGAAATTTTTTTTTCTCATTTTAAAAACAACTTCAA-3'
Protein context (NP_000312.2, residues 78-98): WEKVSSVDGV[Leu88Trp]GGYIQKKKEL

ClinVar aggregate classification (germline): Uncertain significance. Review status: criteria provided, multiple submitters, no conflicts (2 of 4 stars). 3 submissions from 3 submitters: Uncertain significance (3). Last evaluated 2024-11-12.

Conditions:
Hereditary cancer-predisposing syndrome. Also called: Neoplastic Syndromes, Hereditary; Tumor predisposition; Hereditary Cancer Syndrome; Hereditary neoplastic syndrome. Identifiers: Orphanet 140162, MedGen C0027672, MeSH D009386, MONDO:0015356.
Malignant tumor of urinary bladder. Also called: Bladder cancer; Urinary bladder cancer; Urinary Bladder Neoplasms. Identifiers: MedGen C0005684, MONDO:0001187, OMIM 109800.
Retinoblastoma (RB1). Also called: RETINOBLASTOMA, SOMATIC. Identifiers: Orphanet 790, MedGen C0035335, MeSH D012175, MONDO:0008380, OMIM 180200, HP:0009919. Disease mechanism: loss of function. Inheritance: Both sporadic and heritable forms are tested..

Submissions (3):

Ambry Genetics
Classification: Uncertain significance for Hereditary cancer-predisposing syndrome. Last evaluated: 2024-11-12. Review status: criteria provided, single submitter. Criteria: Ambry Variant Classification Scheme 2023. Collection method: clinical testing. Allele origin: germline.
Comment: The p.L88W variant (also known as c.263T>G), located in coding exon 2 of the RB1 gene, results from a T to G substitution at nucleotide position 263. The leucine at codon 88 is replaced by tryptophan, an amino acid with similar properties. This amino acid position is conserved. In addition, this alteration is predicted to be tolerated by in silico analysis. Based on the available evidence, the clinical significance of this variant remains unclear.

Baylor Genetics
Classification: Uncertain significance for Malignant tumor of urinary bladder. Last evaluated: 2024-02-12. Review status: criteria provided, single submitter. Criteria: ACMG Guidelines, 2015. Collection method: clinical testing. Allele origin: unknown.

Labcorp Genetics (formerly Invitae), Labcorp
Classification: Uncertain significance for Retinoblastoma. Last evaluated: 2017-08-09. Review status: criteria provided, single submitter. Criteria: Invitae Variant Classification Sherloc (09022015). Collection method: clinical testing. Allele origin: germline.
Comment: In summary, the available evidence is currently insufficient to determine the role of this variant in disease. Therefore, it has been classified as a Variant of Uncertain Significance. Algorithms developed to predict the effect of missense changes on protein structure and function do not agree on the potential impact of this missense change (SIFT: "Deleterious"; PolyPhen-2: "Benign"; Align-GVGD: "Class C0"). This variant has not been reported in the literature in individuals with RB1-related disease. This variant is not present in population databases (ExAC no frequency). This sequence change replaces leucine with tryptophan at codon 88 of the RB1 protein (p.Leu88Trp). The leucine residue is moderately conserved and there is a small physicochemical difference between leucine and tryptophan.